The following is an entry in ClinVar:

ClinVar aggregate classification (germline): Uncertain significance. Review status: criteria provided, multiple submitters, no conflicts (2 of 4 stars). 2 submissions from 2 submitters: Uncertain significance (2). Last evaluated 2025-10-09.

Conditions:
Familial thoracic aortic aneurysm and aortic dissection (TAAD). Also called: Thoracic aortic aneurysms and dissections. Identifiers: Orphanet 91387, MedGen C4707243, MONDO:0019625.
Marfan syndrome (MFS). Also called: Marfan syndrome type 1; Marfan syndrome, classic; Marfan's syndrome; FBN1-Related Marfan Syndrome; MARFAN SYNDROME, TYPE I. Identifiers: Orphanet 284963, Orphanet 558, MedGen C0024796, MONDO:0007947, OMIM 154700.

Submissions (2):

Labcorp Genetics (formerly Invitae), Labcorp
Classification: Uncertain significance for Marfan syndrome; Familial thoracic aortic aneurysm and aortic dissection. Last evaluated: 2025-10-09. Review status: criteria provided, single submitter. Criteria: Invitae Variant Classification Sherloc (09022015). Collection method: clinical testing. Allele origin: germline.
Comment: This sequence change replaces glycine, which is neutral and non-polar, with glutamic acid, which is acidic and polar, at codon 2116 of the FBN1 protein (p.Gly2116Glu). This variant is not present in population databases (gnomAD no frequency). This missense change has been observed in individual(s) with clinical features of Marfan syndrome (internal data). ClinVar contains an entry for this variant (Variation ID: 519773). Invitae Evidence Modeling of protein sequence and biophysical properties (such as structural, functional, and spatial information, amino acid conservation, physicochemical variation, residue mobility, and thermodynamic stability) indicates that this missense variant is expected to disrupt FBN1 protein function with a positive predictive value of 95%. This variant disrupts the .Gly2116 amino acid residue in FBN1. Other variant(s) that disrupt this residue have been observed in individuals with FBN1-related conditions (internal data), which suggests that this may be a clinically significant amino acid residue. In summary, the available evidence is currently insufficient to determine the role of this variant in disease. Therefore, it has been classified as a Variant of Uncertain Significance.

Ambry Genetics
Classification: Uncertain significance for Familial thoracic aortic aneurysm and aortic dissection. Last evaluated: 2020-10-03. Review status: criteria provided, single submitter. Criteria: Ambry Variant Classification Scheme 2023. Collection method: clinical testing. Allele origin: germline.
Comment: The p.G2116E variant (also known as c.6347G>A), located in coding exon 51 of the FBN1 gene, results from a G to A substitution at nucleotide position 6347, and is located in the TGFBP #06 domain. The glycine at codon 2116 is replaced by glutamic acid, an amino acid with similar properties. Based on internal structural analysis, this variant is anticipated to result in a significant decrease in structural stability (Downing AK et al. Cell, 1996 May 177;85(4):597-605; Ambry internal data). Another alteration impacting this amino acid (p.G2116A, c.6347G>C) has been reported in a patient with aortic root dilatation and pneumothorax but was also identified in an unaffected parent (Baudhuin LM et al. J. Hum. Genet., 2015 May;60:241-52). This amino acid position is highly conserved in available vertebrate species. In addition, this alteration is predicted to be deleterious by in silico analysis. Since supporting evidence is limited at this time, the clinical significance of this alteration remains unclear.

Literature cited by the submitters: PubMed 25652356 (cited by Ambry Genetics).

NM_000138.5(FBN1):c.6347G>A (p.Gly2116Glu)

Gene: FBN1 (fibrillin 1; minus strand). Cytogenetic location: 15q21.1.
Variant type: single nucleotide variant.
Coding change: c.6347G>A on transcript NM_000138.5 (MANE Select); coding-DNA position 6347, G replaced by A.
Protein change: p.Gly2116Glu; replaces glycine 2116 with glutamic acid.
Molecular consequence: missense variant.
Genome position (GRCh38, 1-based): chr15:48,437,354, C>T on the plus strand (G>A on the coding strand, the complement: FBN1 is on the minus strand). VCF-style: chr15-48437354-C-T. GRCh37 (hg19) VCF-style: chr15-48729551-C-T.
Other names: short protein forms G2116E.
Identifiers: ClinVar variation 519773 (VCV000519773.6), dbSNP rs1555395226, ClinGen allele CA392336799.